The following is an entry in ClinVar:

NM_005359.6(SMAD4):c.424+4A>G

Gene: SMAD4 (SMAD family member 4; plus strand). Cytogenetic location: 18q21.2.
Variant type: single nucleotide variant.
Coding change: c.424+4A>G on transcript NM_005359.6 (MANE Select); 4 bases into the intron after coding-DNA position 424, A replaced by G.
Molecular consequence: intron variant.
Genome position (GRCh38, 1-based): chr18:51,048,864, A>G. VCF-style: chr18-51048864-A-G. GRCh37 (hg19) VCF-style: chr18-48575234-A-G.
Other names: c.424+4A>G (NM_001407042.1, NM_001407041.1, NM_001407043.1).
Identifiers: ClinVar variation 4764901 (VCV004764901.1).

ClinVar aggregate classification (germline): Uncertain significance (1 of 4 stars; one submission).

Conditions:
Juvenile polyposis syndrome (JPS). Identifiers: Orphanet 2929, MedGen C0345893, MONDO:0017380, OMIM 174900.

Submission:

Labcorp Genetics (formerly Invitae), Labcorp
Classification: Uncertain significance for Juvenile polyposis syndrome. Last evaluated: 2026-01-04. Review status: criteria provided, single submitter. Criteria: Invitae Variant Classification Sherloc (09022015). Collection method: clinical testing. Allele origin: germline.
Comment: This sequence change falls in intron 3 of the SMAD4 gene. It does not directly change the encoded amino acid sequence of the SMAD4 protein. It affects a nucleotide within the consensus splice site. This variant is not present in population databases (gnomAD no frequency). This variant has not been reported in the literature in individuals affected with SMAD4-related conditions. Variants that disrupt the consensus splice site are a relatively common cause of aberrant splicing (PMID: 17576681, 9536098). Algorithms developed to predict the effect of sequence changes on RNA splicing suggest that this variant is not likely to affect RNA splicing. In summary, the available evidence is currently insufficient to determine the role of this variant in disease. Therefore, it has been classified as a Variant of Uncertain Significance.

Literature cited by the submitters: PubMed 17576681; PubMed 9536098.